The following is an entry in ClinVar:

ClinVar aggregate classification (germline): Likely benign (1 of 4 stars; one submission).

Allele frequency attached by ClinVar (database versions not stated): 1000 Genomes Project 0.00260; TOPMed 0.00909; 1000 Genomes Project 30x 0.00312.
gnomAD v4.1: 3,608 of 368,736 alleles (0.98%); highest among the groups gnomAD compares: Non-Finnish European, 1.4%; 33 homozygotes.

Submission:

GeneDx
Classification: Likely benign. Last evaluated: 2018-06-19. Review status: criteria provided, single submitter. Criteria: GeneDx Variant Classification (06012015). Collection method: clinical testing. Allele origin: germline. Affected: yes.
Comment: This variant is considered likely benign or benign based on one or more of the following criteria: it is a conservative change, it occurs at a poorly conserved position in the protein, it is predicted to be benign by multiple in silico algorithms, and/or has population frequency not consistent with disease.

NM_006073.4(TRDN):c.1871-137C>T

Gene: TRDN (triadin; minus strand). Cytogenetic location: 6q22.31.
Variant type: single nucleotide variant.
Coding change: c.1871-137C>T on transcript NM_006073.4 (MANE Select); 137 bases into the intron before coding-DNA position 1871, C replaced by T.
Molecular consequence: intron variant.
Genome position (GRCh38, 1-based): chr6:123,256,039, G>A on the plus strand (C>T on the coding strand, the complement: TRDN is on the minus strand). VCF-style: chr6-123256039-G-A. GRCh37 (hg19) VCF-style: chr6-123577184-G-A.
Identifiers: ClinVar variation 678635 (VCV000678635.1), dbSNP rs147951703, ClinGen allele CA147227185.